The following is an entry in ClinVar:

NM_001166108.2(PALLD):c.1550G>C (p.Gly517Ala)

Gene: PALLD (palladin, cytoskeletal associated protein; plus strand). Cytogenetic location: 4q32.3.
Variant type: single nucleotide variant.
Coding change: c.1550G>C on transcript NM_001166108.2 (MANE Select); coding-DNA position 1550, G replaced by C.
Protein change: p.Gly517Ala; replaces glycine 517 with alanine.
Molecular consequence: missense variant.
Genome position (GRCh38, 1-based): chr4:168,709,076, G>C. VCF-style: chr4-168709076-G-C. GRCh37 (hg19) VCF-style: chr4-169630227-G-C.
Other names: c.404G>C, p.Gly135Ala (NM_001166109.2); c.1550G>C, p.Gly517Ala (NM_016081.4); short protein forms G135A, G517A.
Identifiers: ClinVar variation 1775052 (VCV001775052.2), dbSNP rs2531818699, ClinGen allele CA358797460.

ClinVar aggregate classification (germline): Uncertain significance (1 of 4 stars; one submission).

Submission:

Ambry Genetics
Classification: Uncertain significance. Last evaluated: 2021-12-21. Review status: criteria provided, single submitter. Criteria: Ambry Variant Classification Scheme 2023. Collection method: clinical testing. Allele origin: germline.
Comment: The p.G517A variant (also known as c.1550G>C), located in coding exon 8 of the PALLD gene, results from a G to C substitution at nucleotide position 1550. The glycine at codon 517 is replaced by alanine, an amino acid with similar properties. This amino acid position is conserved. In addition, this alteration is predicted to be deleterious by in silico analysis. Since supporting evidence is limited at this time, the clinical significance of this alteration remains unclear.